The following is an entry in ClinVar:

ClinVar aggregate classification (germline): Uncertain significance (1 of 4 stars; one submission).

Conditions:
Charcot-Marie-Tooth disease axonal type 2P. Also called: Charcot-Marie-Tooth Neuropathy Type 2G; CHARCOT-MARIE-TOOTH DISEASE, AXONAL, TYPE 2G; CMT 2G; CHARCOT-MARIE-TOOTH NEUROPATHY, TYPE 2P. Identifiers: Orphanet 300319, Orphanet 99941, MedGen C3280797, MONDO:0013753, OMIM 614436.

Submission:

Labcorp Genetics (formerly Invitae), Labcorp
Classification: Uncertain significance for Charcot-Marie-Tooth disease axonal type 2P. Last evaluated: 2022-03-28. Review status: criteria provided, single submitter. Criteria: Invitae Variant Classification Sherloc (09022015). Collection method: clinical testing. Allele origin: germline.
Comment: In summary, the available evidence is currently insufficient to determine the role of this variant in disease. Therefore, it has been classified as a Variant of Uncertain Significance. Experimental studies and prediction algorithms are not available or were not evaluated, and the functional significance of this variant is currently unknown. This variant has not been reported in the literature in individuals affected with LRSAM1-related conditions. This variant is not present in population databases (gnomAD no frequency). This variant, c.1924_1926del, results in the deletion of 1 amino acid(s) of the LRSAM1 protein (p.Pro642del), but otherwise preserves the integrity of the reading frame.

NM_001005373.4(LRSAM1):c.1921CCA[1] (p.Pro642del)

Gene: LRSAM1 (leucine rich repeat and sterile alpha motif containing 1; plus strand). Cytogenetic location: 9q34.11.
Variant type: Microsatellite.
Coding change: c.1921CCA[1] on transcript NM_001005373.4 (MANE Select); one copy of the 3-base unit CCA starting at c.1921; the reference has two copies in a row; one copy, 3 bases deleted.
Protein change: p.Pro642del; deletes proline 642.
Molecular consequence: inframe deletion. On other transcripts: non-coding transcript variant (2).
Genome position (GRCh38, 1-based): chr9:127,501,021-127,501,023, CCA deleted; deleting any 3 consecutive bases within chr9:127,501,017-127,501,023 gives the same sequence; the position shown is the placement nearest the transcript's 3' end. VCF-style (leftmost placement, unchanged base first): chr9-127501016-AACC-A. GRCh37 (hg19) VCF-style: chr9-130263295-AACC-A.
Other names: c.1921CCA[1], p.Pro642del (NM_001005374.4, NM_001384142.1, NM_138361.5); c.1840CCA[1], p.Pro615del (NM_001190723.3); c.1822CCA[1], p.Pro609del (NM_001384143.1); c.1132CCA[1], p.Pro379del (NM_001384144.1); short protein forms P379del, P609del, P642del, P615del.
Identifiers: ClinVar variation 2117822 (VCV002117822.4), dbSNP rs2539463696, ClinGen allele CA2580616301.